The following is an entry in ClinVar:

NM_004115.4(FGF14):c.175C>A (p.Arg59Ser)

Gene: FGF14 (fibroblast growth factor 14; minus strand). Cytogenetic location: 13q33.1.
Variant type: single nucleotide variant.
Coding change: c.175C>A on transcript NM_004115.4 (MANE Select); coding-DNA position 175, C replaced by A.
Protein change: p.Arg59Ser; replaces arginine 59 with serine.
Molecular consequence: missense variant. On other transcripts: intron variant (21).
Genome position (GRCh38, 1-based): chr13:101,916,471, G>T on the plus strand (C>A on the coding strand, the complement: FGF14 is on the minus strand). VCF-style: chr13-101916471-G-T. GRCh37 (hg19) VCF-style: chr13-102568821-G-T.
Other names: c.53-41175C>A (NM_001321947.2); c.92-41175C>A (NM_001379342.1, NM_001321948.2, NM_001321945.2); c.-59-41175C>A (NM_001321946.2, NM_001321949.1, NM_001321943.1 and 4 more transcripts); c.14-41175C>A (NM_001321938.2, NM_001321940.1, NM_001321933.1); c.209-47643C>A (NM_001321939.2); c.209-41175C>A (NM_175929.3, NM_001321937.2); c.8-41175C>A (NM_001321941.2); c.5-41175C>A (NM_001321944.1, NM_001321936.1, NM_001321932.1); short protein forms R59S.
Identifiers: ClinVar variation 3001671 (VCV003001671.3), dbSNP rs770377611, ClinGen allele CA388713065.

ClinVar aggregate classification (germline): Uncertain significance (1 of 4 stars; one submission).

gnomAD v4.1: 1 of 1,613,926 alleles (0.000062%); highest among the groups gnomAD compares: Non-Finnish European, 0.000085%; no homozygotes.

Submission:

Labcorp Genetics (formerly Invitae), Labcorp
Classification: Uncertain significance. Last evaluated: 2024-09-16. Review status: criteria provided, single submitter. Criteria: Invitae Variant Classification Sherloc (09022015). Collection method: clinical testing. Allele origin: germline.
Comment: This sequence change replaces arginine, which is basic and polar, with serine, which is neutral and polar, at codon 59 of the FGF14 protein (p.Arg59Ser). This variant is not present in population databases (gnomAD no frequency). This variant has not been reported in the literature in individuals affected with FGF14-related conditions. Invitae Evidence Modeling of protein sequence and biophysical properties (such as structural, functional, and spatial information, amino acid conservation, physicochemical variation, residue mobility, and thermodynamic stability) indicates that this missense variant is not expected to disrupt FGF14 protein function with a negative predictive value of 80%. In summary, the available evidence is currently insufficient to determine the role of this variant in disease. Therefore, it has been classified as a Variant of Uncertain Significance.